The following is an entry in ClinVar:

NM_007294.4(BRCA1):c.5277+602T>C

Gene: BRCA1 (BRCA1 DNA repair associated; minus strand). Cytogenetic location: 17q21.31.
Variant type: single nucleotide variant.
Coding change: c.5277+602T>C on transcript NM_007294.4 (MANE Select); 602 bases into the intron after coding-DNA position 5277, T replaced by C.
Molecular consequence: intron variant.
Genome position (GRCh38, 1-based): chr17:43,056,450, A>G on the plus strand (T>C on the coding strand, the complement: BRCA1 is on the minus strand). VCF-style: chr17-43056450-A-G. GRCh37 (hg19) VCF-style: chr17-41208467-A-G.
Other names: IVS 20+602T>C; c.1824+602T>C (NM_001408458.1, NM_001408461.1, NM_001408464.1 and 7 more transcripts); c.4386+602T>C (NM_001407967.1); c.4896+602T>C (NM_001407959.1); c.5010+602T>C (NM_001407931.1, NM_001407932.1, NM_001407928.1 and 4 more transcripts); c.5133+602T>C (NM_001407747.1, NM_001407745.1, NM_001407737.1 and 21 more transcripts); c.4893+602T>C (NM_001407962.1, NM_001407960.1); c.1464+602T>C (NM_001408512.1); and 73 more.
Identifiers: ClinVar variation 209287 (VCV000209287.2), dbSNP rs8176286, ClinGen allele CA276259.

ClinVar aggregate classification (germline): Benign (3 of 4 stars; one submission).

Conditions:
Breast-ovarian cancer, familial, susceptibility to, 1 (BROVCA1). Also called: BRCA1 Hereditary Breast and Ovarian Cancer; OVARIAN CANCER, SUSCEPTIBILITY TO. Identifiers: Orphanet 145, MedGen C2676676, MONDO:0011450, OMIM 604370. Disease mechanism: loss of function.

Allele frequency attached by ClinVar (database versions not stated): 1000 Genomes Project 30x 0.01577; TOPMed 0.01631; gnomAD 0.01423 and 0.01531; 1000 Genomes Project 0.01558.
gnomAD v4.1: 2,146 of 152,276 alleles (1.4%); highest among the groups gnomAD compares: African/African-American, 4.8%; 53 homozygotes.

Submission:

Evidence-based Network for the Interpretation of Germline Mutant Alleles (ENIGMA)
Classification: Benign for Breast-ovarian cancer, familial 1. Last evaluated: 2015-01-12. Review status: reviewed by expert panel. Criteria: ENIGMA BRCA1/2 Classification Criteria (2015). Collection method: curation. Allele origin: germline.
Comment: Class 1 not pathogenic based on frequency >1% in an outbred sampleset. Frequency 0.08333 (African), derived from 1000 genomes (2012-04-30).